The following is an entry in ClinVar:

ClinVar aggregate classification (germline): Uncertain significance (1 of 4 stars; one submission).

Submission:

CeGaT Center for Human Genetics Tuebingen
Classification: Uncertain significance. Last evaluated: 2023-08-01. Review status: criteria provided, single submitter. Criteria: CeGaT Center For Human Genetics Tuebingen Variant Classification Criteria Version 2. Collection method: clinical testing. Allele origin: germline. Affected: yes. Observed: 1 variant allele.
Comment: GABBR2: PM2, PP2

NM_005458.8(GABBR2):c.127G>C (p.Ala43Pro)

Gene: GABBR2 (gamma-aminobutyric acid type B receptor subunit 2; minus strand). Cytogenetic location: 9q22.33.
Variant type: single nucleotide variant.
Coding change: c.127G>C on transcript NM_005458.8 (MANE Select); coding-DNA position 127, G replaced by C.
Protein change: p.Ala43Pro; replaces alanine 43 with proline.
Molecular consequence: missense variant.
Genome position (GRCh38, 1-based): chr9:98,708,611, C>G on the plus strand (G>C on the coding strand, the complement: GABBR2 is on the minus strand). VCF-style: chr9-98708611-C-G. GRCh37 (hg19) VCF-style: chr9-101470893-C-G.
Other names: short protein forms A43P.
Identifiers: ClinVar variation 2659346 (VCV002659346.24), dbSNP rs2490288564, ClinGen allele CA374212789.